The following is an entry in ClinVar:

NM_020975.6(RET):c.2952G>T (p.Met984Ile)

Gene: RET (ret proto-oncogene; plus strand). Cytogenetic location: 10q11.21.
Variant type: single nucleotide variant.
Coding change: c.2952G>T on transcript NM_020975.6 (MANE Select); coding-DNA position 2952, G replaced by T.
Protein change: p.Met984Ile; replaces methionine 984 with isoleucine.
Molecular consequence: missense variant.
Genome position (GRCh38, 1-based): chr10:43,124,895, G>T. VCF-style: chr10-43124895-G-T. GRCh37 (hg19) VCF-style: chr10-43620343-G-T.
Other names: c.2190G>T, p.Met730Ile (NM_001355216.2); c.2952G>T, p.Met984Ile (NM_001406743.1, NM_001406744.1, NM_001406759.1 and 2 more transcripts); c.2823G>T, p.Met941Ile (NM_001406761.1, NM_001406762.1, NM_001406764.1); c.2817G>T, p.Met939Ile (NM_001406763.1, NM_001406765.1); c.2226G>T, p.Met742Ile (NM_001406775.1, NM_001406776.1, NM_001406777.1 and 1 more transcripts); c.2055G>T, p.Met685Ile (NM_001406779.1, NM_001406780.1, NM_001406781.1 and 1 more transcripts); c.1926G>T, p.Met642Ile (NM_001406783.1, NM_001406786.1); c.1503G>T, p.Met501Ile (NM_001406794.1, NM_001406792.1, NM_001406793.1); and 10 more; short protein forms M685I, M501I, M589I, M809I, M852I, M888I, M939I, M941I.
Identifiers: ClinVar variation 3313734 (VCV003313734.1).
Genomic context (GRCh38, chr10:43,124,895, plus strand): 5'-GACCTGGCCCTGCTTGGATCATATTGGCCTGTCTGCTCTTCCCACCAGGTACCGCCTGAT[G>T]CTGCAATGCTGGAAGCAGGAGCCGGACAAAAGGCCGGTGTTTGCGGACATCAGCAAAGAC-3'
Protein context (NP_066124.1, residues 974-994): DNCSEEMYRL[Met984Ile]LQCWKQEPDK

ClinVar aggregate classification (germline): Uncertain significance (1 of 4 stars; one submission).

Conditions:
Hereditary cancer-predisposing syndrome. Also called: Neoplastic Syndromes, Hereditary; Tumor predisposition; Hereditary neoplastic syndrome; Hereditary Cancer Syndrome. Identifiers: Orphanet 140162, MedGen C0027672, MeSH D009386, MONDO:0015356.

Submission:

Ambry Genetics
Classification: Uncertain significance for Hereditary cancer-predisposing syndrome. Last evaluated: 2024-05-15. Review status: criteria provided, single submitter. Criteria: Ambry Variant Classification Scheme 2023. Collection method: clinical testing. Allele origin: germline.
Comment: The p.M984I variant (also known as c.2952G>T), located in coding exon 18 of the RET gene, results from a G to T substitution at nucleotide position 2952. The methionine at codon 984 is replaced by isoleucine, an amino acid with highly similar properties. This amino acid position is conserved. In addition, this alteration is predicted to be deleterious by in silico analysis. Based on the available evidence, the clinical significance of this variant remains unclear.